The following is an entry in ClinVar:

ClinVar aggregate classification (germline): Benign. Review status: reviewed by expert panel (3 of 4 stars). 19 submissions from 19 submitters: Benign (1). 18 of the submissions do not count toward it. Last evaluated 2020-01-23.

Conditions:
Glycogen storage disease, type II (IOPD). Also called: POMPE DISEASE, INFANTILE-ONSET; GLYCOGEN STORAGE DISEASE II, INFANTILE-ONSET; ACID ALPHA-GLUCOSIDASE DEFICIENCY, INFANTILE-ONSET; GAA DEFICIENCY, INFANTILE-ONSET; ACID MALTASE DEFICIENCY, INFANTILE-ONSET; Glucosidase acid-1,4-alpha deficiency. Identifiers: Orphanet 365, MedGen C0017921, MONDO:0009290, OMIM 232300.
Cardiovascular phenotype. Identifiers: MedGen CN230736.

Allele frequency attached by ClinVar (database versions not stated): 1000 Genomes Project 30x 0.60103; 1000 Genomes Project 0.60284; TOPMed 0.63515; gnomAD 0.65453 and 0.65473; gnomAD exomes 0.66937 and 0.71172; ESP Exome Variant Server 0.67077; ExAC 0.67844.
gnomAD v4.1: 1,138,699 of 1,612,268 alleles (71%); highest among the groups gnomAD compares: Middle Eastern, 80%; 406,010 homozygotes.

Submissions (19):

ClinGen Lysosomal Storage Disorder Variant Curation Expert Panel
Classification: Benign for Glycogen storage disease, type II. Last evaluated: 2020-01-23. Review status: reviewed by expert panel. Criteria: ClinGen LSD ACMG Specifications v1. Collection method: curation. Allele origin: germline. Inheritance: Autosomal recessive inheritance.
Comment: The highest continental population minor allele frequency for c.1203G>A (p.Gln401=) in gnomAD v2.1.1 is 0.74003 in the European non-Finnish population. Note that the minor allele frequency is even higher in the Ashkenazi Jewish (0.77901) and European Finnish (0.76403) populations. These allele frequencies are higher than the ClinGen LSD VCEP's BA1 threshold (>0.01), meeting this criterion. There is a ClinVar entry for this variant (Variation ID: 92461, two star review status), with 7 submitters classifying the variant as benign. In summary, this variant meets the criteria to be classified as benign for Pompe disease. GAA-specific ACMG/AMP criteria applied, as specified by the ClinGen LSD VCEP: BA1.

Genomenon, Inc
Classification: Benign for Glycogen storage disease, type II. Last evaluated: 2026-07-01. Review status: criteria provided, single submitter. Criteria: Genomenon Sequence Variant Interpretation Standards - Updated. Collection method: curation. Allele origin: germline. Affected: no. Not counted in ClinVar's aggregate classification.
Comment: GAA c.1203G>A is a synonymous variant that retains Glutamine at codon 401. This variant is present at high allele frequency in population databases. We classify GAA c.1203G>A (p.Gln401=) as a benign variant.

Labcorp Genetics (formerly Invitae), Labcorp
Classification: Benign for Glycogen storage disease, type II. Last evaluated: 2026-02-04. Review status: criteria provided, single submitter. Criteria: Invitae Variant Classification Sherloc (09022015). Collection method: clinical testing. Allele origin: germline. Not counted in ClinVar's aggregate classification.

Blueprint Genetics
Classification: Benign. Last evaluated: 2024-11-28. Review status: criteria provided, single submitter. Criteria: ACMG Guidelines, 2015. Collection method: clinical testing. Allele origin: germline. Not counted in ClinVar's aggregate classification.

Genome-Nilou Lab
Classification: Benign for Glycogen storage disease, type II. Last evaluated: 2021-06-10. Review status: criteria provided, single submitter. Criteria: ACMG Guidelines, 2015. Collection method: clinical testing. Allele origin: germline. Affected: no. Not counted in ClinVar's aggregate classification.

Ambry Genetics
Classification: Benign for Cardiovascular phenotype. Last evaluated: 2018-12-11. Review status: criteria provided, single submitter. Criteria: Ambry Variant Classification Scheme 2023. Collection method: clinical testing. Allele origin: germline. Not counted in ClinVar's aggregate classification.

Eurofins Ntd Llc (ga)
Classification: Benign. Last evaluated: 2018-09-04. Review status: criteria provided, single submitter. Criteria: EGL ClinVar v180209 classification definitions. Collection method: clinical testing. Allele origin: germline. Observed: 115 variant alleles, 64 heterozygotes, 51 homozygotes. Not counted in ClinVar's aggregate classification.

Illumina Laboratory Services, Illumina
Classification: Benign for Glycogen storage disease, type II. Last evaluated: 2018-01-13. Review status: criteria provided, single submitter. Criteria: ICSL Variant Classification Criteria 13 December 2019. Collection method: clinical testing. Allele origin: germline. Not counted in ClinVar's aggregate classification.
Comment: This variant was observed in the ICSL laboratory as part of a predisposition screen in an ostensibly healthy population. It had not been previously curated by ICSL or reported in the Human Gene Mutation Database (HGMD: prior to June 1st, 2018), and was therefore a candidate for classification through an automated scoring system. Utilizing variant allele frequency, disease prevalence and penetrance estimates, and inheritance mode, an automated score was calculated to assess if this variant is too frequent to cause the disease. Based on the score and internal cut-off values, a variant classified as benign is not then subjected to further curation. The score for this variant resulted in a classification of benign for this disease.

Phosphorus, Inc.
Classification: Benign for Glycogen storage disease, type II. Last evaluated: 2017-08-01. Review status: criteria provided, single submitter. Criteria: ACMG Guidelines, 2015. Collection method: clinical testing. Allele origin: germline. Observed: 20 variant alleles. Not counted in ClinVar's aggregate classification.

GeneDx
Classification: Benign. Last evaluated: 2015-03-03. Review status: criteria provided, single submitter. Criteria: GeneDx Variant Classification Process June 2021. Collection method: clinical testing. Allele origin: germline. Affected: yes. Not counted in ClinVar's aggregate classification.

Genetic Services Laboratory, University of Chicago
Classification: Benign for AllHighlyPenetrant. Last evaluated: 2013-08-15. Review status: criteria provided, single submitter. Criteria: ACMG Guidelines, 2007. Collection method: clinical testing. Allele origin: germline. Inheritance: Autosomal recessive inheritance. Not counted in ClinVar's aggregate classification.

Breakthrough Genomics
Classification: Benign. Review status: criteria provided, single submitter. Criteria: ACMG Guidelines, 2015. Collection method: not provided. Allele origin: germline. Inheritance: Autosomal recessive inheritance. Affected: yes. Not counted in ClinVar's aggregate classification.

PreventionGenetics, part of Exact Sciences
Classification: Benign. Review status: criteria provided, single submitter. Criteria: ACMG Guidelines, 2015. Collection method: clinical testing. Allele origin: germline. Not counted in ClinVar's aggregate classification.

Natera, Inc.
Classification: Benign for Glycogen storage disease type II. Last evaluated: 2020-10-16. Review status: no assertion criteria provided. Collection method: clinical testing. Allele origin: germline. Not counted in ClinVar's aggregate classification.

Mayo Clinic Laboratories, Mayo Clinic
Classification: Benign. Last evaluated: 2015-10-22. Review status: no assertion criteria provided. Collection method: clinical testing. Allele origin: unknown. Not counted in ClinVar's aggregate classification.

Department of Pathology and Laboratory Medicine, Sinai Health System
Classification: Uncertain significance. Review status: no assertion criteria provided. Collection method: clinical testing. Allele origin: unknown. Affected: yes. Study: The Canadian Open Genetics Repository (COGR). Not counted in ClinVar's aggregate classification.
Comment: multiple AR variants in same gene - keep for nowAllele frequency is common in at least one population database (frequency: 77.971% in gnomAD_ExomesFounderPop) based on the frequency threshold of 2.76% for this gene.Variant was observed in a homozygous state in population databases more than expected for disease.7 reputable source/s reports the variant as benign, but the evidence is not available to the laboratory to perform an independent evaluation.A synonymous variant not located in a splice region.

Diagnostic Laboratory, Department of Genetics, University Medical Center Groningen
Classification: Benign for Glycogen storage disease, type II. Review status: no assertion criteria provided. Collection method: clinical testing. Allele origin: germline. Affected: yes. Study: VKGL Data-share Consensus. Not counted in ClinVar's aggregate classification.

Genome Diagnostics Laboratory, University Medical Center Utrecht
Classification: Benign. Review status: no assertion criteria provided. Collection method: clinical testing. Allele origin: germline. Affected: yes. Study: VKGL Data-share Consensus. Not counted in ClinVar's aggregate classification.

Joint Genome Diagnostic Labs from Nijmegen and Maastricht, Radboudumc and MUMC+
Classification: Benign. Review status: no assertion criteria provided. Collection method: clinical testing. Allele origin: germline. Affected: yes. Study: VKGL Data-share Consensus. Not counted in ClinVar's aggregate classification.

Literature cited by the submitters: PubMed 18414213 (cited by Phosphorus, Inc.); PubMed 23757202 (cited by Phosphorus, Inc.).

NM_000152.5(GAA):c.1203G>A (p.Gln401=)

Gene: GAA (alpha glucosidase; plus strand). Cytogenetic location: 17q25.3.
Variant type: single nucleotide variant.
Coding change: c.1203G>A on transcript NM_000152.5 (MANE Select); coding-DNA position 1203, G replaced by A.
Protein change: p.Gln401=; no amino-acid change (glutamine 401 retained).
Molecular consequence: synonymous variant.
Genome position (GRCh38, 1-based): chr17:80,108,705, G>A. VCF-style: chr17-80108705-G-A. GRCh37 (hg19) VCF-style: chr17-78082504-G-A.
Other names: c.1203G>A, p.(=) (LRG_673t1); c.1203G>A, p.Gln401= (NM_001079803.3, NM_001079804.3).
Identifiers: ClinVar variation 92461 (VCV000092461.39), dbSNP rs1800304, ClinGen allele CA145749.
Genomic context (GRCh38, chr17:80,108,705, plus strand): 5'-CCGGGACGCGTCTCCTCAGGCCCCAGCAGACGGTCCCGTGTTGTGGCTGCAGGACGTCCA[G>A]TGGAACGACCTGGACTACATGGACTCCCGGAGGGACTTCACGTTCAACAAGGATGGCTTC-3'
Protein context (NP_000143.2, residues 391-411): MTRAHFPLDV[Gln401=]WNDLDYMDSR